The following is an entry in ClinVar:

NM_001035.3(RYR2):c.5857A>C (p.Met1953Leu)

Gene: RYR2 (ryanodine receptor 2; plus strand). Cytogenetic location: 1q43.
Variant type: single nucleotide variant.
Coding change: c.5857A>C on transcript NM_001035.3 (MANE Select); coding-DNA position 5857, A replaced by C.
Protein change: p.Met1953Leu; replaces methionine 1953 with leucine.
Molecular consequence: missense variant.
Genome position (GRCh38, 1-based): chr1:237,617,427, A>C. VCF-style: chr1-237617427-A-C. GRCh37 (hg19) VCF-style: chr1-237780727-A-C.
Other names: c.5857A>C, p.Met1953Leu (LRG_402t1); short protein forms M1953L.
Identifiers: ClinVar variation 373759 (VCV000373759.11), dbSNP rs1057518592, ClinGen allele CA16042351.
Genomic context (GRCh38, chr1:237,617,427, plus strand): 5'-GTGGCTAAGCTCCAAGACAATCAACGTTTCCGATACAACGAAGTCATGCAAGCCTTAAAC[A>C]TGTCAGCTGCACTCACAGCCAGGAAGACAAAGGAATTTAGATCACCACCTCAAGAACAGG-3'
Protein context (NP_001026.2, residues 1943-1963): RYNEVMQALN[Met1953Leu]SAALTARKTK

ClinVar aggregate classification (germline): Uncertain significance. Review status: criteria provided, multiple submitters, no conflicts (2 of 4 stars). 5 submissions from 5 submitters: Uncertain significance (5). Last evaluated 2024-10-18.

Conditions:
Cardiovascular phenotype. Identifiers: MedGen CN230736.
Catecholaminergic polymorphic ventricular tachycardia (CVPT). Also called: Catecholamine-induced polymorphic ventricular tachycardia. Identifiers: Orphanet 3286, MedGen C5574922, MONDO:0017990.
Catecholaminergic polymorphic ventricular tachycardia 1. Also called: VENTRICULAR TACHYCARDIA, STRESS-INDUCED POLYMORPHIC 1; VENTRICULAR TACHYCARDIA, CATECHOLAMINERGIC POLYMORPHIC, 1, WITH OR WITHOUT ATRIAL DYSFUNCTION AND/OR DILATED CARDIOMYOPATHY; RYR2-Related Catecholaminergic Polymorphic Ventricular Tachycardia. Identifiers: Orphanet 3286, MedGen C1631597, MONDO:0011484, OMIM 604772.
Cardiomyopathy (CMYO). Also called: Cardiomyopathies. Identifiers: Orphanet 167848, MedGen C0878544, MONDO:0004994, HP:0001638. Inheritance: Various modes of inheritance.

Allele frequency attached by ClinVar (database versions not stated): gnomAD exomes 0.00003.

Submissions (5):

Ambry Genetics
Classification: Uncertain significance for Cardiovascular phenotype. Last evaluated: 2024-10-18. Review status: criteria provided, single submitter. Criteria: Ambry Variant Classification Scheme 2023. Collection method: clinical testing. Allele origin: germline.
Comment: The p.M1953L variant (also known as c.5857A>C), located in coding exon 38 of the RYR2 gene, results from an A to C substitution at nucleotide position 5857. The methionine at codon 1953 is replaced by leucine, an amino acid with highly similar properties. This amino acid position is highly conserved in available vertebrate species. In addition, the in silico prediction for this alteration is inconclusive. Based on the available evidence, the clinical significance of this variant remains unclear.

Color Diagnostics, LLC DBA Color Health
Classification: Uncertain significance for Cardiomyopathy. Last evaluated: 2024-03-06. Review status: criteria provided, single submitter. Criteria: ACMG Guidelines, 2015. Collection method: clinical testing. Allele origin: germline.
Comment: This variant is located in the RYR2 protein. Computational prediction is inconclusive regarding the impact of this variant on protein structure and function (internally defined REVEL score threshold 0.5 < inconclusive < 0.7, PMID: 27666373). To our knowledge, functional studies have not been reported for this variant. This variant has not been reported in individuals affected with RYR2-related disorders in the literature. This variant has not been identified in the general population by the Genome Aggregation Database (gnomAD). The available evidence is insufficient to determine the role of this variant in disease conclusively. Therefore, this variant is classified as a Variant of Uncertain Significance.

Labcorp Genetics (formerly Invitae), Labcorp
Classification: Uncertain significance for Catecholaminergic polymorphic ventricular tachycardia 1. Last evaluated: 2024-03-04. Review status: criteria provided, single submitter. Criteria: Invitae Variant Classification Sherloc (09022015). Collection method: clinical testing. Allele origin: germline.
Comment: This sequence change replaces methionine, which is neutral and non-polar, with leucine, which is neutral and non-polar, at codon 1953 of the RYR2 protein (p.Met1953Leu). This variant is not present in population databases (gnomAD no frequency). This variant has not been reported in the literature in individuals affected with RYR2-related conditions. ClinVar contains an entry for this variant (Variation ID: 373759). Advanced modeling of protein sequence and biophysical properties (such as structural, functional, and spatial information, amino acid conservation, physicochemical variation, residue mobility, and thermodynamic stability) performed at Invitae indicates that this missense variant is not expected to disrupt RYR2 protein function with a negative predictive value of 95%. In summary, the available evidence is currently insufficient to determine the role of this variant in disease. Therefore, it has been classified as a Variant of Uncertain Significance.

All of Us Research Program, National Institutes of Health
Classification: Uncertain significance for Catecholaminergic polymorphic ventricular tachycardia. Last evaluated: 2023-06-28. Review status: criteria provided, single submitter. Criteria: ACMG Guidelines, 2015. Collection method: clinical testing. Allele origin: germline. Inheritance: Autosomal dominant inheritance. Observed: 3 variant alleles, 3 heterozygotes.
Comment: This missense variant replaces methionine with leucine at codon 1953 of the RYR2 protein. Computational prediction tool is inconclusive regarding the impact of this variant on protein structure and function (internally defined REVEL score threshold 0.5 < inconclusive < 0.7, PMID: 27666373). Splice site prediction tools suggest that this variant may not impact RNA splicing. To our knowledge, functional studies have not been performed for this variant. This variant has not been reported in individuals affected with cardiovascular disorders in the literature. This variant has not been identified in the general population by the Genome Aggregation Database (gnomAD). The available evidence is insufficient to determine the role of this variant in disease conclusively. Therefore, this variant is classified as a Variant of Uncertain Significance.

This study involves interpretation of variants in research participants for the purpose of population health screening. Participant phenotype was not available at the time of variant classification. Additional details can be found in publication PMID: 35346344, PMCID: PMC8962531

GeneDx
Classification: Uncertain significance. Last evaluated: 2016-12-09. Review status: criteria provided, single submitter. Criteria: GeneDx Variant Classification (06012015). Collection method: clinical testing. Allele origin: germline. Affected: yes.
Comment: A variant of uncertain significance has been identified in the RYR2 gene. The M1953L variant has not been publishedas a pathogenic variant, nor has it been reported as a benign variant to our knowledge. This variant was not observedin approximately 6,200 individuals of European and African American ancestry in the NHLBI Exome SequencingProject, indicating it is not a common benign variant in these populations. This substitution occurs at a position thatis conserved across species and in silico analysis predicts this variant is probably damaging to the proteinstructure/function. However, the M1953L variant is a conservative amino acid substitution, which is not likely toimpact secondary protein structure as these residues share similar properties. Finally, the M1953L variant is notlocated in one of the three hot-spot regions of the RYR2 gene, where the majority of pathogenic missense variantsoccur (Medeiros-Domingo et al., 2009).